The following is an entry in ClinVar:

ClinVar aggregate classification (germline): Uncertain significance. Review status: criteria provided, multiple submitters, no conflicts (2 of 4 stars). 2 submissions from 2 submitters: Uncertain significance (2). Last evaluated 2025-07-06.

Conditions:
Hereditary cancer-predisposing syndrome. Also called: Tumor predisposition; Hereditary neoplastic syndrome; Neoplastic Syndromes, Hereditary; Hereditary Cancer Syndrome. Identifiers: Orphanet 140162, MedGen C0027672, MeSH D009386, MONDO:0015356.
EGFR-related lung cancer (EGFR). Identifiers: MedGen CN130014.

Allele frequency attached by ClinVar (database versions not stated): gnomAD exomes below 0.00001; TOPMed below 0.00001.
gnomAD v4.1: 1 of 1,614,076 alleles (0.000062%); highest among the groups gnomAD compares: African/African-American, 0.0013%; no homozygotes.

Submissions (2):

Labcorp Genetics (formerly Invitae), Labcorp
Classification: Uncertain significance for EGFR-related lung cancer. Last evaluated: 2025-07-06. Review status: criteria provided, single submitter. Criteria: Invitae Variant Classification Sherloc (09022015). Collection method: clinical testing. Allele origin: germline.
Comment: This sequence change replaces glutamine, which is neutral and polar, with histidine, which is basic and polar, at codon 1143 of the EGFR protein (p.Gln1143His). This variant is present in population databases (no rsID available, gnomAD 0.007%). This variant has not been reported in the literature in individuals affected with EGFR-related conditions. ClinVar contains an entry for this variant (Variation ID: 1426128). An algorithm developed to predict the effect of missense changes on protein structure and function outputs the following: PolyPhen-2: "Benign". The histidine amino acid residue is found in multiple mammalian species, which suggests that this missense change does not adversely affect protein function. In summary, the available evidence is currently insufficient to determine the role of this variant in disease. Therefore, it has been classified as a Variant of Uncertain Significance.

Ambry Genetics
Classification: Uncertain significance for Hereditary cancer-predisposing syndrome. Last evaluated: 2025-06-30. Review status: criteria provided, single submitter. Criteria: Ambry Variant Classification Scheme 2023. Collection method: clinical testing. Allele origin: germline.
Comment: The p.Q1143H variant (also known as c.3429G>T), located in coding exon 28 of the EGFR gene, results from a G to T substitution at nucleotide position 3429. The glutamine at codon 1143 is replaced by histidine, an amino acid with highly similar properties. This amino acid position is conserved. In addition, this alteration is predicted to be tolerated by in silico analysis. Based on the available evidence, the clinical significance of this variant remains unclear.

NM_005228.5(EGFR):c.3429G>T (p.Gln1143His)

Gene: EGFR (epidermal growth factor receptor; plus strand). Cytogenetic location: 7p11.2.
Variant type: single nucleotide variant.
Coding change: c.3429G>T on transcript NM_005228.5 (MANE Select); coding-DNA position 3429, G replaced by T.
Protein change: p.Gln1143His; replaces glutamine 1143 with histidine.
Molecular consequence: missense variant.
Genome position (GRCh38, 1-based): chr7:55,205,413, G>T. VCF-style: chr7-55205413-G-T. GRCh37 (hg19) VCF-style: chr7-55273106-G-T.
Other names: c.3294G>T, p.Gln1098His (NM_001346899.2); c.3270G>T, p.Gln1090His (NM_001346900.2); c.2628G>T, p.Gln876His (NM_001346941.2); c.3429G>T (NM_005228.3); short protein forms Q876H, Q1090H, Q1098H, Q1143H.
Identifiers: ClinVar variation 1426128 (VCV001426128.9), dbSNP rs1403923057, ClinGen allele CA367584598.
Genomic context (GRCh38, chr7:55,205,413, plus strand): 5'-ACACTACCAGGACCCCCACAGCACTGCAGTGGGCAACCCCGAGTATCTCAACACTGTCCA[G>T]CCCACCTGTGTCAACAGCACATTCGACAGCCCTGCCCACTGGGCCCAGAAAGGCAGCCAC-3'
Protein context (NP_005219.2, residues 1133-1153): VGNPEYLNTV[Gln1143His]PTCVNSTFDS